The following is an entry in ClinVar:

ClinVar aggregate classification (germline): Uncertain significance (1 of 4 stars; one submission).

Conditions:
Joubert syndrome. Also called: JOUBERT-BOLTSHAUSER SYNDROME; Familial aplasia of the vermis. Identifiers: Orphanet 475, MedGen C5979921, MONDO:0018772.
Meckel-Gruber syndrome. Also called: DYSENCEPHALIA SPLANCHNOCYSTICA; GRUBER SYNDROME; Dysencephalia splachnocystica. Identifiers: Orphanet 564, MedGen C0265215, MONDO:0018921.

Submission:

Labcorp Genetics (formerly Invitae), Labcorp
Classification: Uncertain significance for Joubert syndrome; Meckel-Gruber syndrome. Last evaluated: 2021-11-27. Review status: criteria provided, single submitter. Criteria: Invitae Variant Classification Sherloc (09022015). Collection method: clinical testing. Allele origin: germline.
Comment: In summary, the available evidence is currently insufficient to determine the role of this variant in disease. Therefore, it has been classified as a Variant of Uncertain Significance. Advanced modeling of protein sequence and biophysical properties (such as structural, functional, and spatial information, amino acid conservation, physicochemical variation, residue mobility, and thermodynamic stability) performed at Invitae indicates that this missense variant is expected to disrupt CC2D2A protein function. This variant has not been reported in the literature in individuals affected with CC2D2A-related conditions. This variant is not present in population databases (gnomAD no frequency). This sequence change replaces proline, which is neutral and non-polar, with serine, which is neutral and polar, at codon 652 of the CC2D2A protein (p.Pro652Ser).

NM_001378615.1(CC2D2A):c.1954C>T (p.Pro652Ser)

Genes: CC2D2A (coiled-coil and C2 domain containing 2A; plus strand), FBXL5 (F-box and leucine rich repeat protein 5; minus strand). Cytogenetic location: 4p15.32.
Variant type: single nucleotide variant.
Coding change: c.1954C>T on transcript NM_001378615.1 (MANE Select); coding-DNA position 1954, C replaced by T.
Protein change: p.Pro652Ser; replaces proline 652 with serine.
Molecular consequence: missense variant.
Genome position (GRCh38, 1-based): chr4:15,538,088, C>T. VCF-style: chr4-15538088-C-T. GRCh37 (hg19) VCF-style: chr4-15539711-C-T.
Other names: c.1954C>T, p.Pro652Ser (NM_001080522.2); c.1807C>T, p.Pro603Ser (NM_001378617.1); short protein forms P603S, P652S.
Identifiers: ClinVar variation 1395253 (VCV001395253.6), dbSNP rs2109035370, ClinGen allele CA356411933.